The following is an entry in ClinVar:

NC_000002.11:g.(?_166210682)_(167168266_?)del

Genes: CSRNP3 (cysteine and serine rich nuclear protein 3; plus strand), GALNT3 (polypeptide N-acetylgalactosaminyltransferase 3; minus strand), SCN1A (sodium voltage-gated channel alpha subunit 1; minus strand), SCN2A (sodium voltage-gated channel alpha subunit 2; plus strand), SCN9A (sodium voltage-gated channel alpha subunit 9; minus strand) and 1 more. Cytogenetic location: 2q24.3.
Variant type: Deletion.
Identifiers: ClinVar variation 1459193 (VCV001459193.8).

ClinVar aggregate classification (germline): Pathogenic (1 of 4 stars; one submission).

Conditions:
Seizures, benign familial infantile, 3 (BFIS3). Also called: Familial neonatal seizures; CONVULSIONS, BENIGN FAMILIAL INFANTILE, 3. Identifiers: Orphanet 140927, Orphanet 306, MedGen C1843140, MONDO:0011904, OMIM 607745.
Developmental and epileptic encephalopathy, 11 (DEE11). Also called: Early infantile epileptic encephalopathy 11. Identifiers: Orphanet 1934, MedGen C3150987, MONDO:0013388, OMIM 613721.

Submission:

Labcorp Genetics (formerly Invitae), Labcorp
Classification: Pathogenic for Seizures, benign familial infantile, 3; Developmental and epileptic encephalopathy, 11. Last evaluated: 2020-12-04. Review status: criteria provided, single submitter. Criteria: Invitae Variant Classification Sherloc (09022015). Collection method: clinical testing. Allele origin: germline.
Comment: For these reasons, this variant has been classified as Pathogenic. This variant disrupts the C-terminus of the SCN2A protein. Other variant(s) that disrupt this region (p.Ile1772Metfs*19) have been determined to be pathogenic (Invitae). This suggests that variants that disrupt this region of the protein are likely to be causative of disease. This variant has not been reported in the literature in individuals with SCN2A-related conditions. This variant is a gross deletion of the genomic region encompassing exon(s) 17-27 of the SCN2A gene. The 5' boundary is likely confined to intron 16. The 3' end of this event is unknown as it extends through the termination codon beyond the assayed region for this gene and may encompass additional genes. While this deletion is not anticipated to lead to nonsense mediated decay, it is expected to alter mRNA translation or result in a truncated protein product.